The following is an entry in ClinVar:

ClinVar aggregate classification (germline): Uncertain significance (1 of 4 stars; one submission).

gnomAD v4.1: 1 of 1,613,902 alleles (0.000062%); highest among the groups gnomAD compares: Non-Finnish European, 0.000085%; no homozygotes.

Submission:

Labcorp Genetics (formerly Invitae), Labcorp
Classification: Uncertain significance. Last evaluated: 2025-11-22. Review status: criteria provided, single submitter. Criteria: Invitae Variant Classification Sherloc (09022015). Collection method: clinical testing. Allele origin: germline.
Comment: This sequence change replaces threonine, which is neutral and polar, with isoleucine, which is neutral and non-polar, at codon 183 of the TRRAP protein (p.Thr183Ile). This variant is not present in population databases (gnomAD no frequency). This variant has not been reported in the literature in individuals affected with TRRAP-related conditions. Invitae Evidence Modeling of protein sequence and biophysical properties (such as structural, functional, and spatial information, amino acid conservation, physicochemical variation, residue mobility, and thermodynamic stability) indicates that this missense variant is not expected to disrupt TRRAP protein function with a negative predictive value of 80%. In summary, the available evidence is currently insufficient to determine the role of this variant in disease. Therefore, it has been classified as a Variant of Uncertain Significance.

NM_001375524.1(TRRAP):c.548C>T (p.Thr183Ile)

Gene: TRRAP (transformation/transcription domain associated protein; plus strand). Cytogenetic location: 7q22.1.
Variant type: single nucleotide variant.
Coding change: c.548C>T on transcript NM_001375524.1 (MANE Select); coding-DNA position 548, C replaced by T.
Protein change: p.Thr183Ile; replaces threonine 183 with isoleucine.
Molecular consequence: missense variant.
Genome position (GRCh38, 1-based): chr7:98,897,781, C>T. VCF-style: chr7-98897781-C-T. GRCh37 (hg19) VCF-style: chr7-98495404-C-T.
Other names: c.548C>T, p.Thr183Ile (NM_001244580.2, NM_003496.4); short protein forms T183I.
Identifiers: ClinVar variation 4807716 (VCV004807716.1).